The following is an entry in ClinVar:

NM_004646.4(NPHS1):c.881C>T (p.Thr294Ile)

Gene: NPHS1 (NPHS1 adhesion molecule, nephrin; minus strand). Cytogenetic location: 19q13.12.
Variant type: single nucleotide variant.
Coding change: c.881C>T on transcript NM_004646.4 (MANE Select); coding-DNA position 881, C replaced by T.
Protein change: p.Thr294Ile; replaces threonine 294 with isoleucine.
Molecular consequence: missense variant.
Genome position (GRCh38, 1-based): chr19:35,849,107, G>A on the plus strand (C>T on the coding strand, the complement: NPHS1 is on the minus strand). VCF-style: chr19-35849107-G-A. GRCh37 (hg19) VCF-style: chr19-36340009-G-A.
Other names: short protein forms T294I.
Identifiers: ClinVar variation 259508 (VCV000259508.46), dbSNP rs113825926, ClinGen allele CA9390609.

ClinVar aggregate classification (germline): Benign/Likely benign. Review status: criteria provided, multiple submitters, no conflicts (2 of 4 stars). 11 submissions from 11 submitters: Benign (5); Likely benign (5). 1 of the submissions does not count toward it. Last evaluated 2026-08-01.

Conditions:
Finnish congenital nephrotic syndrome (NPHS1). Also called: NEPHROTIC SYNDROME, TYPE 1. Identifiers: Orphanet 839, MedGen C0403399, MONDO:0009732, OMIM 256300.
Congenital nephrotic syndrome. Also called: Familial nephrotic syndrome. Identifiers: MedGen C3501848, MeSH C535761, MONDO:0002350, HP:0008677.
Focal segmental glomerulosclerosis (FSGS). Also called: Glomerulosclerosis, focal; Focal sclerosis with hyalinosis. Identifiers: MedGen C0017668, MONDO:0100313, HP:0000097. Disease mechanism: loss of function.

Allele frequency attached by ClinVar (database versions not stated): 1000 Genomes Project 0.00359; 1000 Genomes Project 30x 0.00359; gnomAD exomes 0.00774; TOPMed 0.00794; gnomAD 0.00838 and 0.00863; ExAC 0.00876; ESP Exome Variant Server 0.00915.
gnomAD v4.1: 17,647 of 1,609,588 alleles (1.1%); highest among the groups gnomAD compares: Non-Finnish European, 1.3%; 138 homozygotes.

Submissions (11):

CeGaT Center for Human Genetics Tuebingen
Classification: Benign. Last evaluated: 2026-08-01. Review status: criteria provided, single submitter. Criteria: CeGaT Center For Human Genetics Tuebingen Variant Classification Criteria Version 2. Collection method: clinical testing. Allele origin: germline. Affected: yes. Observed: 8 variant alleles.
Comment: NPHS1: BP4, BS1, BS2

Labcorp Genetics (formerly Invitae), Labcorp
Classification: Benign. Last evaluated: 2026-02-02. Review status: criteria provided, single submitter. Criteria: Invitae Variant Classification Sherloc (09022015). Collection method: clinical testing. Allele origin: germline.

Blueprint Genetics
Classification: Likely benign. Last evaluated: 2024-11-27. Review status: criteria provided, single submitter. Criteria: ACMG Guidelines, 2015. Collection method: clinical testing. Allele origin: germline.

Genome Diagnostics Laboratory, The Hospital for Sick Children
Classification: Likely benign for Focal segmental glomerulosclerosis. Last evaluated: 2022-07-19. Review status: criteria provided, single submitter. Criteria: ACMG Guidelines, 2015. Collection method: clinical testing. Allele origin: germline.

Women's Health and Genetics/Laboratory Corporation of America, LabCorp
Classification: Likely benign. Last evaluated: 2021-12-10. Review status: criteria provided, single submitter. Criteria: LabCorp Variant Classification Summary - May 2015. Collection method: clinical testing. Allele origin: germline.

GeneDx
Classification: Benign. Last evaluated: 2021-09-07. Review status: criteria provided, single submitter. Criteria: GeneDx Variant Classification Process June 2021. Collection method: clinical testing. Allele origin: germline. Affected: yes.
Comment: This variant is associated with the following publications: (PMID: 15086927, 20507940, 11317351, 20981092, 26346198, 31216994)

Illumina Laboratory Services, Illumina
Classification: Likely benign for Congenital nephrotic syndrome. Last evaluated: 2017-04-27. Review status: criteria provided, single submitter. Criteria: ICSL Variant Classification Criteria 13 December 2019. Collection method: clinical testing. Allele origin: germline.
Comment: This variant was observed as part of a predisposition screen in an ostensibly healthy population. A literature search was performed for the gene, cDNA change, and amino acid change (where applicable). Publications were found based on this search. The evidence from the literature, in combination with allele frequency data from public databases where available, was sufficient to determine this variant is unlikely to cause disease. Therefore, this variant is classified as likely benign.

Eurofins Ntd Llc (ga)
Classification: Benign. Last evaluated: 2016-03-03. Review status: criteria provided, single submitter. Criteria: EGL Classification Definitions 2015. Collection method: clinical testing. Allele origin: germline. Observed: 1 variant allele, 1 heterozygote.

Breakthrough Genomics
Classification: Likely benign. Review status: criteria provided, single submitter. Criteria: ACMG Guidelines, 2015. Collection method: not provided. Allele origin: germline. Inheritance: Autosomal recessive inheritance. Affected: yes.

PreventionGenetics, part of Exact Sciences
Classification: Benign. Review status: criteria provided, single submitter. Criteria: ACMG Guidelines, 2015. Collection method: clinical testing. Allele origin: germline.

Natera, Inc.
Classification: Benign for Finnish congenital nephrotic syndrome. Last evaluated: 2020-09-16. Review status: no assertion criteria provided. Collection method: clinical testing. Allele origin: germline. Not counted in ClinVar's aggregate classification.

Literature cited by the submitters: PubMed 15086927 (cited by Illumina Laboratory Services, Illumina).